The following is an entry in ClinVar:

NM_000199.5(SGSH):c.1456G>A (p.Val486Ile)

Gene: SGSH (N-sulfoglucosamine sulfohydrolase; minus strand). Cytogenetic location: 17q25.3.
Variant type: single nucleotide variant.
Coding change: c.1456G>A on transcript NM_000199.5 (MANE Select); coding-DNA position 1456, G replaced by A.
Protein change: p.Val486Ile; replaces valine 486 with isoleucine.
Molecular consequence: missense variant. On other transcripts: 3 prime UTR variant (2), non-coding transcript variant (1).
Genome position (GRCh38, 1-based): chr17:80,210,505, C>T on the plus strand (G>A on the coding strand, the complement: SGSH is on the minus strand). VCF-style: chr17-80210505-C-T. GRCh37 (hg19) VCF-style: chr17-78184304-C-T.
Other names: p.Val486Ile; c.*543G>A (NM_001352921.3); c.*506G>A (NM_001352922.2); short protein forms V486I.
Identifiers: ClinVar variation 569858 (VCV000569858.9), dbSNP rs764585957, ClinGen allele CA8817575.
Genomic context (GRCh38, chr17:80,210,505, plus strand): 5'-GGGATGGTCACAGCTCATTGTGGAGGGGCTGGCACTGGGGAGAGAGCTTCTCCTCCAGGA[C>T]GCCGTCGGGGGCGCACACCCAGGGGTCGTGGGTCTCCCACTGCCACTTGGCCAGCTGGTC-3'
Protein context (NP_000190.1, residues 476-496): HDPWVCAPDG[Val486Ile]LEEKLSPQCQ

ClinVar aggregate classification (germline): Uncertain significance. Review status: criteria provided, multiple submitters, no conflicts (2 of 4 stars). 6 submissions from 6 submitters: Uncertain significance (5). 1 of the submissions does not count toward it. Last evaluated 2025-04-04.

Conditions:
Mucopolysaccharidosis, MPS-III-A (MPS3A). Also called: Mucopolysaccharidosis, type IIIA; MPS IIIA (Sanfilippo Syndrome Type A); MPS III A; SANFILIPPO SYNDROME A; SULFAMIDASE DEFICIENCY; Mucopolysaccharidosis type IIIA (Sanfilippo A). Identifiers: Orphanet 581, Orphanet 79269, MedGen C0086647, MONDO:0009655, OMIM 252900.
Inborn genetic diseases. Identifiers: MedGen C0950123, MeSH D030342.

Allele frequency attached by ClinVar (database versions not stated): gnomAD 0.00003; TOPMed 0.00004.

Submissions (6):

Ambry Genetics
Classification: Uncertain significance for Inborn genetic diseases. Last evaluated: 2025-04-04. Review status: criteria provided, single submitter. Criteria: Ambry Variant Classification Scheme 2023. Collection method: clinical testing. Allele origin: germline.

Blueprint Genetics
Classification: Uncertain significance. Last evaluated: 2024-11-13. Review status: criteria provided, single submitter. Criteria: ACMG Guidelines, 2015. Collection method: clinical testing. Allele origin: germline.

Mayo Clinic Laboratories, Mayo Clinic
Classification: Uncertain significance. Last evaluated: 2024-11-08. Review status: criteria provided, single submitter. Criteria: ACMG Guidelines, 2015. Collection method: clinical testing. Allele origin: germline. Observed: 1 variant allele.
Comment: PM2_supporting, PM5

Labcorp Genetics (formerly Invitae), Labcorp
Classification: Uncertain significance for Mucopolysaccharidosis, MPS-III-A. Last evaluated: 2022-07-26. Review status: criteria provided, single submitter. Criteria: Invitae Variant Classification Sherloc (09022015). Collection method: clinical testing. Allele origin: germline.
Comment: This sequence change replaces valine, which is neutral and non-polar, with isoleucine, which is neutral and non-polar, at codon 486 of the SGSH protein (p.Val486Ile). This variant is present in population databases (rs764585957, gnomAD 0.01%). This variant has not been reported in the literature in individuals affected with SGSH-related conditions. ClinVar contains an entry for this variant (Variation ID: 569858). Algorithms developed to predict the effect of missense changes on protein structure and function are either unavailable or do not agree on the potential impact of this missense change (SIFT: "Deleterious"; PolyPhen-2: "Benign"; Align-GVGD: "Class C25"). This variant disrupts the p.Val486 amino acid residue in SGSH. Other variant(s) that disrupt this residue have been determined to be pathogenic (PMID: 11182930). This suggests that this residue is clinically significant, and that variants that disrupt this residue are likely to be disease-causing. In summary, the available evidence is currently insufficient to determine the role of this variant in disease. Therefore, it has been classified as a Variant of Uncertain Significance.

Genome-Nilou Lab
Classification: Uncertain significance for Mucopolysaccharidosis, MPS-III-A. Last evaluated: 2021-11-07. Review status: criteria provided, single submitter. Criteria: ACMG Guidelines, 2015. Collection method: clinical testing. Allele origin: germline. Affected: no.

Natera, Inc.
Classification: Uncertain significance for Mucopolysaccharidosis type IIIA. Last evaluated: 2019-11-11. Review status: no assertion criteria provided. Collection method: clinical testing. Allele origin: germline. Not counted in ClinVar's aggregate classification.

Literature cited by the submitters: PubMed 11182930 (cited by Mayo Clinic Laboratories, Mayo Clinic and Labcorp Genetics (formerly Invitae), Labcorp).